The following is an entry in ClinVar:

NM_000038.6(APC):c.5391T>C (p.Asn1797=)

Gene: APC (APC regulator of Wnt signaling pathway; plus strand). Cytogenetic location: 5q22.2.
Variant type: single nucleotide variant.
Coding change: c.5391T>C on transcript NM_000038.6 (MANE Select); coding-DNA position 5391, T replaced by C.
Protein change: p.Asn1797=; no amino-acid change (asparagine 1797 retained).
Molecular consequence: synonymous variant. On other transcripts: non-coding transcript variant (2).
Genome position (GRCh38, 1-based): chr5:112,840,985, T>C. VCF-style: chr5-112840985-T-C. GRCh37 (hg19) VCF-style: chr5-112176682-T-C.
Other names: c.5088T>C, p.Asn1696= (NM_001354903.2, NM_001407458.1, NM_001407459.1 and 1 more transcripts); c.4911T>C, p.Asn1637= (NM_001354905.2); c.5013T>C, p.Asn1671= (NM_001354904.2); c.4542T>C, p.Asn1514= (NM_001354906.2, NM_001407470.1); c.5475T>C, p.Asn1825= (NM_001407446.1); c.5445T>C, p.Asn1815= (NM_001407449.1, NM_001407447.1, NM_001407448.1 and 1 more transcripts); c.5391T>C, p.Asn1797= (NM_001407450.1, NM_001127510.3, NM_001354895.2); c.5370T>C, p.Asn1790= (NM_001407451.1); and 11 more.
Identifiers: ClinVar variation 3254460 (VCV003254460.2), dbSNP rs2149938993.

ClinVar aggregate classification (germline): Benign/Likely benign. Review status: criteria provided, multiple submitters, no conflicts (2 of 4 stars). 2 submissions from 2 submitters: Benign (1); Likely benign (1). Last evaluated 2025-09-27.

Conditions:
Familial adenomatous polyposis 1 (FAP1). Also called: FAMILIAL ADENOMATOUS POLYPOSIS 1, ATTENUATED; POLYPOSIS, ADENOMATOUS INTESTINAL. Identifiers: MedGen C2713442, MONDO:0021056, OMIM 175100. Disease mechanism: loss of function.

Submissions (2):

Labcorp Genetics (formerly Invitae), Labcorp
Classification: Likely benign for Familial adenomatous polyposis 1. Last evaluated: 2025-09-27. Review status: criteria provided, single submitter. Criteria: Invitae Variant Classification Sherloc (09022015). Collection method: clinical testing. Allele origin: germline.

Myriad Genetics, Inc.
Classification: Benign for Familial adenomatous polyposis 1. Last evaluated: 2024-04-02. Review status: criteria provided, single submitter. Criteria: Myriad Autosomal Dominant, Autosomal Recessive and X-Linked Classification Criteria (2023). Collection method: clinical testing. Allele origin: unknown.
Comment: This variant is considered benign. This variant is a silent/synonymous amino acid change and it is not expected to impact splicing.